The following is an entry in ClinVar:

ClinVar aggregate classification (germline): Uncertain significance (1 of 4 stars; one submission).

Submission:

GeneDx
Classification: Uncertain significance. Last evaluated: 2023-02-10. Review status: criteria provided, single submitter. Criteria: GeneDx Variant Classification Process June 2021. Collection method: clinical testing. Allele origin: germline. Affected: yes.
Comment: Not observed at significant frequency in large population cohorts (gnomAD); In silico analysis supports that this missense variant does not alter protein structure/function; Has not been previously published as pathogenic or benign to our knowledge

NM_001005273.3(CHD3):c.4970A>T (p.Asp1657Val)

Gene: CHD3 (chromodomain helicase DNA binding protein 3; plus strand). Cytogenetic location: 17p13.1.
Variant type: single nucleotide variant.
Coding change: c.4970A>T on transcript NM_001005273.3 (MANE Select); coding-DNA position 4970, A replaced by T.
Protein change: p.Asp1657Val; replaces aspartic acid 1657 with valine.
Molecular consequence: missense variant. On other transcripts: intron variant (1).
Genome position (GRCh38, 1-based): chr17:7,907,646, A>T. VCF-style: chr17-7907646-A-T. GRCh37 (hg19) VCF-style: chr17-7810964-A-T.
Other names: c.5147A>T, p.Asp1716Val (NM_001005271.3); c.4924+158A>T (NM_005852.4); short protein forms D1657V, D1716V.
Identifiers: ClinVar variation 2575803 (VCV002575803.1), dbSNP rs2545103648, ClinGen allele CA397947529.